The following is an entry in ClinVar:

NM_003482.4(KMT2D):c.1248del (p.Lys417fs)

Gene: KMT2D (lysine methyltransferase 2D; minus strand). Cytogenetic location: 12q13.12.
Variant type: Deletion.
Coding change: c.1248del on transcript NM_003482.4 (MANE Select); coding-DNA position 1248, one base deleted (C; older notation c.1248delC).
Protein change: p.Lys417fs; shifts the reading frame from lysine 417.
Molecular consequence: frameshift variant.
Genome position (GRCh38, 1-based): chr12:49,052,574, G deleted on the plus strand (C on the coding strand, the reverse complement: KMT2D is on the minus strand); the first of 2 consecutive G bases (chr12:49,052,574-49,052,575); deleting either gives the same sequence. VCF-style (leftmost placement, unchanged base first): chr12-49052573-TG-T. GRCh37 (hg19) VCF-style: chr12-49446356-TG-T.
Other names: c.1248delC (NM_003482.3); short protein forms K417fs.
Identifiers: ClinVar variation 1806129 (VCV001806129.1), dbSNP rs2498461443, ClinGen allele CA1139532836.

ClinVar aggregate classification (germline): Pathogenic (1 of 4 stars; one submission).

Conditions:
Kabuki syndrome 1 (KABUK1). Also called: KMT2D-Related Kabuki Syndrome. Identifiers: Orphanet 2322, MedGen CN030661, MONDO:0007843, OMIM 147920.

Submission:

Victorian Clinical Genetics Services, Murdoch Childrens Research Institute
Classification: Pathogenic for Kabuki syndrome 1. Last evaluated: 2020-10-19. Review status: criteria provided, single submitter. Criteria: ACMG Guidelines, 2015. Collection method: clinical testing. Allele origin: germline. Inheritance: Autosomal dominant inheritance.
Comment: Based on the classification scheme VCGS_Germline_v1.3.3, this variant is classified as Pathogenic. Following criteria are met: 0102 - Loss of function is a known mechanism of disease in this gene and is associated with Kabuki syndrome 1 (MIM#147920). (I) 0107 - This gene is associated with autosomal dominant disease. (I) 0201 - Variant is predicted to cause nonsense-mediated decay (NMD) and loss of protein (premature termination codon is located at least 54 nucleotides upstream of the final exon-exon junction). (SP) 0251 - This variant is heterozygous. (I) 0301 - Variant is absent from gnomAD (both v2 and v3). (SP) 0701 - Other NMD predicted variants comparable to the one identified in this case have very strong previous evidence for pathogenicity. Many NMD predicted variants have been reported in patients with Kabuki syndrome (Decipher, PMID: 31727177). (SP) 0807 - This variant has no previous evidence of pathogenicity. (I) 0905 - No published segregation evidence has been identified for this variant. (I) 1007 - No published functional evidence has been identified for this variant. (SP) Legend: (SP) - Supporting pathogenic, (I) - Information, (SB) - Supporting benign

Literature cited by the submitters: PubMed 31727177.